The following is an entry in ClinVar:

ClinVar aggregate classification (germline): Uncertain significance (1 of 4 stars; one submission).

gnomAD v4.1: 25 of 1,613,344 alleles (0.0015%); highest among the groups gnomAD compares: Admixed American, 0.0033%; no homozygotes.

Submission:

Labcorp Genetics (formerly Invitae), Labcorp
Classification: Uncertain significance. Last evaluated: 2024-02-12. Review status: criteria provided, single submitter. Criteria: Invitae Variant Classification Sherloc (09022015). Collection method: clinical testing. Allele origin: germline.
Comment: This sequence change replaces methionine, which is neutral and non-polar, with valine, which is neutral and non-polar, at codon 756 of the LONP1 protein (p.Met756Val). This variant is present in population databases (rs754562604, gnomAD 0.006%). This variant has not been reported in the literature in individuals affected with LONP1-related conditions. Advanced modeling of protein sequence and biophysical properties (such as structural, functional, and spatial information, amino acid conservation, physicochemical variation, residue mobility, and thermodynamic stability) performed at Invitae indicates that this missense variant is not expected to disrupt LONP1 protein function with a negative predictive value of 80%. In summary, the available evidence is currently insufficient to determine the role of this variant in disease. Therefore, it has been classified as a Variant of Uncertain Significance.

NM_004793.4(LONP1):c.2266A>G (p.Met756Val)

Gene: LONP1 (lon peptidase 1, mitochondrial; minus strand). Cytogenetic location: 19p13.3.
Variant type: single nucleotide variant.
Coding change: c.2266A>G on transcript NM_004793.4 (MANE Select); coding-DNA position 2266, A replaced by G.
Protein change: p.Met756Val; replaces methionine 756 with valine.
Molecular consequence: missense variant. On other transcripts: non-coding transcript variant (1).
Genome position (GRCh38, 1-based): chr19:5,694,441, T>C on the plus strand (A>G on the coding strand, the complement: LONP1 is on the minus strand). VCF-style: chr19-5694441-T-C. GRCh37 (hg19) VCF-style: chr19-5694452-T-C.
Other names: c.2074A>G, p.Met692Val (NM_001276479.2); c.1678A>G, p.Met560Val (NM_001276480.1); short protein forms M560V, M692V, M756V.
Identifiers: ClinVar variation 3616370 (VCV003616370.2).